The following is an entry in ClinVar:

ClinVar aggregate classification (germline): Uncertain significance (1 of 4 stars; one submission).

Conditions:
Maple syrup urine disease (MSUD). Identifiers: Orphanet 511, MedGen C0024776, MeSH D008375, MONDO:0009563. Disease mechanism: loss of function.

Allele frequency attached by ClinVar (database versions not stated): gnomAD exomes 0.00001.

Submission:

Labcorp Genetics (formerly Invitae), Labcorp
Classification: Uncertain significance for Maple syrup urine disease. Last evaluated: 2021-08-30. Review status: criteria provided, single submitter. Criteria: Invitae Variant Classification Sherloc (09022015). Collection method: clinical testing. Allele origin: germline.
Comment: This sequence change replaces alanine with threonine at codon 7 of the BCKDHB protein (p.Ala7Thr). The alanine residue is weakly conserved and there is a small physicochemical difference between alanine and threonine. The frequency data for this variant in the population databases is considered unreliable, as metrics indicate poor data quality at this position in the ExAC database. This variant has not been reported in the literature in individuals affected with BCKDHB-related conditions. Algorithms developed to predict the effect of missense changes on protein structure and function output the following: SIFT: "Tolerated"; PolyPhen-2: "Not Available"; Align-GVGD: "Class C0". The threonine amino acid residue is found in multiple mammalian species, which suggests that this missense change does not adversely affect protein function. In summary, the available evidence is currently insufficient to determine the role of this variant in disease. Therefore, it has been classified as a Variant of Uncertain Significance.

NM_183050.4(BCKDHB):c.19G>A (p.Ala7Thr)

Gene: BCKDHB (branched chain keto acid dehydrogenase E1 subunit beta; plus strand). Cytogenetic location: 6q14.1.
Variant type: single nucleotide variant.
Coding change: c.19G>A on transcript NM_183050.4 (MANE Select); coding-DNA position 19, G replaced by A.
Protein change: p.Ala7Thr; replaces alanine 7 with threonine.
Molecular consequence: missense variant. On other transcripts: non-coding transcript variant (1), intron variant (1).
Genome position (GRCh38, 1-based): chr6:80,106,712, G>A. VCF-style: chr6-80106712-G-A. GRCh37 (hg19) VCF-style: chr6-80816429-G-A.
Other names: c.19G>A, p.Ala7Thr (NM_000056.5); c.-15+29G>A (NM_001318975.1); short protein forms A7T.
Identifiers: ClinVar variation 2421075 (VCV002421075.3), dbSNP rs760197926, ClinGen allele CA3902472.